The following is an entry in ClinVar:

NM_002834.5(PTPN11):c.967C>A (p.Pro323Thr)

Gene: PTPN11 (protein tyrosine phosphatase non-receptor type 11; plus strand). Cytogenetic location: 12q24.13.
Variant type: single nucleotide variant.
Coding change: c.967C>A on transcript NM_002834.5 (MANE Select); coding-DNA position 967, C replaced by A.
Protein change: p.Pro323Thr; replaces proline 323 with threonine.
Molecular consequence: missense variant.
Genome position (GRCh38, 1-based): chr12:112,477,890, C>A. VCF-style: chr12-112477890-C-A. GRCh37 (hg19) VCF-style: chr12-112915694-C-A.
Other names: c.967C>A (NM_002834.3, NM_002834.4); c.967C>A, p.Pro323Thr (NM_001330437.2, NM_080601.3); c.964C>A, p.Pro322Thr (NM_001374625.1); short protein forms P322T, P323T.
Identifiers: ClinVar variation 1507406 (VCV001507406.9), dbSNP rs779400765, ClinGen allele CA386791176.

ClinVar aggregate classification (germline): Uncertain significance. Review status: criteria provided, multiple submitters, no conflicts (2 of 4 stars). 4 submissions from 4 submitters: Uncertain significance (4). Last evaluated 2024-12-03.

Conditions:
PTPN11-related disorder. Also called: PTPN11-Related Disorders.
Cardiovascular phenotype. Identifiers: MedGen CN230736.
RASopathy. Also called: Noonan spectrum disorder; rasopathies. Identifiers: Orphanet 536391, MedGen C5555857, MONDO:0021060.

Allele frequency attached by ClinVar (database versions not stated): gnomAD 0.00001; TOPMed 0.00001.
gnomAD v4.1: 2 of 1,613,982 alleles (0.00012%); highest among the groups gnomAD compares: African/African-American, 0.0027%; no homozygotes.

Submissions (4):

PreventionGenetics, part of Exact Sciences
Classification: Uncertain significance for PTPN11-related condition. Last evaluated: 2024-12-03. Review status: criteria provided, single submitter. Criteria: ACMG Guidelines, 2015. Collection method: clinical testing. Allele origin: germline.
Comment: The PTPN11 c.967C>A variant is predicted to result in the amino acid substitution p.Pro323Thr. To our knowledge, this variant has not been reported in the literature or in a large population database (gnomAD), indicating this variant is rare. At this time, the clinical significance of this variant is uncertain due to the absence of conclusive functional and genetic evidence.

Labcorp Genetics (formerly Invitae), Labcorp
Classification: Uncertain significance for RASopathy. Last evaluated: 2023-10-04. Review status: criteria provided, single submitter. Criteria: Invitae Variant Classification Sherloc (09022015). Collection method: clinical testing. Allele origin: germline.
Comment: This sequence change replaces proline, which is neutral and non-polar, with threonine, which is neutral and polar, at codon 323 of the PTPN11 protein (p.Pro323Thr). This variant is not present in population databases (gnomAD no frequency). This variant has not been reported in the literature in individuals affected with PTPN11-related conditions. ClinVar contains an entry for this variant (Variation ID: 1507406). Advanced modeling of protein sequence and biophysical properties (such as structural, functional, and spatial information, amino acid conservation, physicochemical variation, residue mobility, and thermodynamic stability) has been performed at Invitae for this missense variant, however the output from this modeling did not meet the statistical confidence thresholds required to predict the impact of this variant on PTPN11 protein function. In summary, the available evidence is currently insufficient to determine the role of this variant in disease. Therefore, it has been classified as a Variant of Uncertain Significance.

GeneDx
Classification: Uncertain significance. Last evaluated: 2023-06-06. Review status: criteria provided, single submitter. Criteria: GeneDx Variant Classification Process June 2021. Collection method: clinical testing. Allele origin: germline. Affected: yes.
Comment: Missense variants in this gene are often considered pathogenic (HGMD); In silico analysis supports that this missense variant does not alter protein structure/function; Has not been previously published as pathogenic or benign to our knowledge; This variant is associated with the following publications: (PMID: 29493581)

Ambry Genetics
Classification: Uncertain significance for Cardiovascular phenotype. Last evaluated: 2023-05-03. Review status: criteria provided, single submitter. Criteria: Ambry Variant Classification Scheme 2023. Collection method: clinical testing. Allele origin: germline.
Comment: The p.P323T variant (also known as c.967C>A), located in coding exon 9 of the PTPN11 gene, results from a C to A substitution at nucleotide position 967. The proline at codon 323 is replaced by threonine, an amino acid with highly similar properties. This amino acid position is conserved. In addition, the in silico prediction for this alteration is inconclusive. Since supporting evidence is limited at this time, the clinical significance of this alteration remains unclear.